The following is an entry in ClinVar:

NM_024741.3(ZNF408):c.280del (p.Glu94fs)

Gene: ZNF408 (zinc finger protein 408; plus strand). Cytogenetic location: 11p11.2.
Variant type: Deletion.
Coding change: c.280del on transcript NM_024741.3 (MANE Select); coding-DNA position 280, one base deleted (G; older notation c.280delG).
Protein change: p.Glu94fs; shifts the reading frame from glutamic acid 94.
Molecular consequence: frameshift variant.
Genome position (GRCh38, 1-based): chr11:46,701,626, G deleted; the last of 2 consecutive G bases (chr11:46,701,625-46,701,626); deleting either gives the same sequence. VCF-style (leftmost placement, unchanged base first): chr11-46701624-AG-A. GRCh37 (hg19) VCF-style: chr11-46723174-AG-A.
Other names: c.256del, p.Glu86fs (NM_001184751.2); short protein forms E94fs, E86fs.
Identifiers: ClinVar variation 1363183 (VCV001363183.6), dbSNP rs2134505533, ClinGen allele CA2573146342.
Genomic context (GRCh38, chr11:46,701,624, plus strand): 5'-TGGGGGTCTGGTGTGTCGGGGACCCCCTGCAGCCCGGCCTGCTGTGGGGGCCGCTGGAAG[AG>A]GAGTCTGCCTCCAAGGAGAAGGGCGAGGGAGTAAAGCCACGGCAGGAGGAGGTATTGAAG-3'

ClinVar aggregate classification (germline): Uncertain significance (1 of 4 stars; one submission).

Submission:

Labcorp Genetics (formerly Invitae), Labcorp
Classification: Uncertain significance. Last evaluated: 2021-06-22. Review status: criteria provided, single submitter. Criteria: Invitae Variant Classification Sherloc (09022015). Collection method: clinical testing. Allele origin: germline.
Comment: This variant has not been reported in the literature in individuals affected with ZNF408-related conditions. This variant is not present in population databases (ExAC no frequency). This sequence change creates a premature translational stop signal (p.Glu94Serfs*11) in the ZNF408 gene. It is expected to result in an absent or disrupted protein product. However, the current clinical and genetic evidence is not sufficient to establish whether loss-of-function variants in ZNF408 cause disease. In summary, the available evidence is currently insufficient to determine the role of this variant in disease. Therefore, it has been classified as a Variant of Uncertain Significance.